The following is an entry in ClinVar:

NM_024747.6(HPS6):c.806C>T (p.Ala269Val)

Gene: HPS6 (HPS6 biogenesis of lysosomal organelles complex 2 subunit 3; plus strand). Cytogenetic location: 10q24.32.
Variant type: single nucleotide variant.
Coding change: c.806C>T on transcript NM_024747.6 (MANE Select); coding-DNA position 806, C replaced by T.
Protein change: p.Ala269Val; replaces alanine 269 with valine.
Molecular consequence: missense variant.
Genome position (GRCh38, 1-based): chr10:102,066,280, C>T. VCF-style: chr10-102066280-C-T. GRCh37 (hg19) VCF-style: chr10-103826037-C-T.
Other names: short protein forms A269V.
Identifiers: ClinVar variation 2188992 (VCV002188992.2), dbSNP rs140164002, ClinGen allele CA5659865.

ClinVar aggregate classification (germline): Uncertain significance. Review status: criteria provided, multiple submitters, no conflicts (2 of 4 stars). 2 submissions from 2 submitters: Uncertain significance (2). Last evaluated 2024-10-06.

Conditions:
Inborn genetic diseases. Identifiers: MedGen C0950123, MeSH D030342.

Allele frequency attached by ClinVar (database versions not stated): ExAC 0.00005; 1000 Genomes Project 30x 0.00016; gnomAD 0.00017; TOPMed 0.00017; 1000 Genomes Project 0.00020; ESP Exome Variant Server 0.00038.

Submissions (2):

Ambry Genetics
Classification: Uncertain significance for Inborn genetic diseases. Last evaluated: 2024-10-06. Review status: criteria provided, single submitter. Criteria: Ambry Variant Classification Scheme 2023. Collection method: clinical testing. Allele origin: germline.

Labcorp Genetics (formerly Invitae), Labcorp
Classification: Uncertain significance. Last evaluated: 2022-02-03. Review status: criteria provided, single submitter. Criteria: Invitae Variant Classification Sherloc (09022015). Collection method: clinical testing. Allele origin: germline.
Comment: This sequence change replaces alanine, which is neutral and non-polar, with valine, which is neutral and non-polar, at codon 269 of the HPS6 protein (p.Ala269Val). This variant is present in population databases (rs140164002, gnomAD 0.05%). This variant has not been reported in the literature in individuals affected with HPS6-related conditions. Algorithms developed to predict the effect of missense changes on protein structure and function (SIFT, PolyPhen-2, Align-GVGD) all suggest that this variant is likely to be tolerated. In summary, the available evidence is currently insufficient to determine the role of this variant in disease. Therefore, it has been classified as a Variant of Uncertain Significance.